The following is an entry in ClinVar:

ClinVar aggregate classification (germline): Uncertain significance. Review status: criteria provided, multiple submitters, no conflicts (2 of 4 stars). 5 submissions from 5 submitters: Uncertain significance (5). Last evaluated 2026-05-06.

Conditions:
PLEC-related disorder. Also called: PLEC-related disorders; PLEC-related condition.
Inborn genetic diseases. Identifiers: MedGen C0950123, MeSH D030342.
Epidermolysis bullosa simplex, Ogna type (EBS5A). Also called: Pidermolysis bullosa simplex 5A, Ogna type; EPIDERMOLYSIS BULLOSA SIMPLEX 5A, OGNA TYPE. Identifiers: Orphanet 79401, MedGen C0432317, MONDO:0007555, OMIM 131950.
Epidermolysis bullosa simplex 5B, with muscular dystrophy (EBS5B). Also called: Epidermolysis bullosa simplex with muscular dystrophy; EPIDERMOLYSIS BULLOSA SIMPLEX AND LIMB-GIRDLE MUSCULAR DYSTROPHY. Identifiers: Orphanet 257, MedGen C2931072, MONDO:0009181, OMIM 226670.
Epidermolysis bullosa simplex with nail dystrophy (EBS5D). Identifiers: MedGen C4225309, MONDO:0014661, OMIM 616487.
Autosomal recessive limb-girdle muscular dystrophy type 2Q (LGMDR17). Also called: MUSCULAR DYSTROPHY, LIMB-GIRDLE, AUTOSOMAL RECESSIVE 17. Identifiers: Orphanet 254361, MedGen C3150989, MONDO:0013390, OMIM 613723.
Epidermolysis bullosa simplex 5C, with pyloric atresia (EBS5C). Also called: PLEC-Related Epidermolysis Bullosa with Pyloric Atresia; Epidermolysis bullosa simplex with pyloric atresia; PLEC1-Related Epidermolysis Bullosa with Pyloric Atresia. Identifiers: Orphanet 158684, MedGen C2677349, MONDO:0012807, OMIM 612138.

Allele frequency attached by ClinVar (database versions not stated): gnomAD exomes 0.00003; ExAC 0.00004; gnomAD 0.00009 and 0.00011; TOPMed 0.00010; ESP Exome Variant Server 0.00015.
gnomAD v4.1: 66 of 1,612,734 alleles (0.0041%); highest among the groups gnomAD compares: African/African-American, 0.013%; 1 homozygote.

Submissions (5):

PreventionGenetics, part of Exact Sciences
Classification: Uncertain significance for PLEC-related condition. Last evaluated: 2026-05-06. Review status: criteria provided, single submitter. Criteria: ACMG Guidelines, 2015. Collection method: clinical testing. Allele origin: germline.
Comment: The PLEC c.8870C>T variant is predicted to result in the amino acid substitution p.Ser2957Leu. To our knowledge, this variant has not been reported in the literature. This variant is reported in 0.012% of alleles in individuals of African descent in gnomAD. At this time, the clinical significance of this variant is uncertain due to the absence of conclusive functional and genetic evidence.

Labcorp Genetics (formerly Invitae), Labcorp
Classification: Uncertain significance for Autosomal recessive limb-girdle muscular dystrophy type 2Q; Epidermolysis bullosa simplex, Ogna type; Epidermolysis bullosa simplex with nail dystrophy; Epidermolysis bullosa simplex 5C, with pyloric atresia; Epidermolysis bullosa simplex 5B, with muscular dystrophy. Last evaluated: 2025-08-05. Review status: criteria provided, single submitter. Criteria: Invitae Variant Classification Sherloc (09022015). Collection method: clinical testing. Allele origin: germline.
Comment: This sequence change replaces serine, which is neutral and polar, with leucine, which is neutral and non-polar, at codon 2957 of the PLEC protein (p.Ser2957Leu). This variant is present in population databases (rs369553188, gnomAD 0.01%). This variant has not been reported in the literature in individuals affected with PLEC-related conditions. ClinVar contains an entry for this variant (Variation ID: 964539). Invitae Evidence Modeling of protein sequence and biophysical properties (such as structural, functional, and spatial information, amino acid conservation, physicochemical variation, residue mobility, and thermodynamic stability) indicates that this missense variant is not expected to disrupt PLEC protein function with a negative predictive value of 80%. In summary, the available evidence is currently insufficient to determine the role of this variant in disease. Therefore, it has been classified as a Variant of Uncertain Significance.

GeneDx
Classification: Uncertain significance. Last evaluated: 2025-06-20. Review status: criteria provided, single submitter. Criteria: GeneDx Variant Classification Process June 2021. Collection method: clinical testing. Allele origin: germline. Affected: yes.
Comment: Not observed at significant frequency in large population cohorts (gnomAD); In silico analysis supports that this missense variant has a deleterious effect on protein structure/function; Missense variant in a gene in which most reported pathogenic variants are truncating/loss of function; Has not been previously published as pathogenic or benign to our knowledge

Ambry Genetics
Classification: Uncertain significance for Inborn genetic diseases. Last evaluated: 2025-05-05. Review status: criteria provided, single submitter. Criteria: Ambry Variant Classification Scheme 2023. Collection method: clinical testing. Allele origin: germline.

Revvity Omics, Revvity
Classification: Uncertain significance. Last evaluated: 2023-12-27. Review status: criteria provided, single submitter. Criteria: ACMG Guidelines, 2015. Collection method: clinical testing. Allele origin: germline.

NM_201384.3(PLEC):c.8789C>T (p.Ser2930Leu)

Gene: PLEC (plectin; minus strand). Cytogenetic location: 8q24.3.
Variant type: single nucleotide variant.
Coding change: c.8789C>T on transcript NM_201384.3 (MANE Select); coding-DNA position 8789, C replaced by T.
Protein change: p.Ser2930Leu; replaces serine 2930 with leucine.
Molecular consequence: missense variant.
Genome position (GRCh38, 1-based): chr8:143,921,032, G>A on the plus strand (C>T on the coding strand, the complement: PLEC is on the minus strand). VCF-style: chr8-143921032-G-A. GRCh37 (hg19) VCF-style: chr8-144995200-G-A.
Other names: c.8870C>T, p.Ser2957Leu (NM_000445.5); c.8747C>T, p.Ser2916Leu (NM_201378.4); c.8723C>T, p.Ser2908Leu (NM_201379.3); c.9200C>T, p.Ser3067Leu (NM_201380.4); c.8693C>T, p.Ser2898Leu (NM_201381.3); c.8789C>T, p.Ser2930Leu (NM_201382.4); c.8801C>T, p.Ser2934Leu (NM_201383.3); c.8870C>T (NM_000445.3); short protein forms S2930L, S2934L, S2957L, S3067L, S2898L, S2908L, S2916L.
Identifiers: ClinVar variation 964539 (VCV000964539.11), dbSNP rs369553188, ClinGen allele CA4925185.